The following is an entry in ClinVar:

ClinVar aggregate classification (germline): Likely pathogenic (1 of 4 stars; one submission).

Conditions:
Autosomal recessive nonsyndromic hearing loss 3. Also called: NEUROSENSORY NONSYNDROMIC RECESSIVE DEAFNESS 3. Identifiers: Orphanet 90636, MedGen C1838263, MONDO:0010860, OMIM 600316.

Submission:

Institute of Rare Diseases, West China Hospital, Sichuan University
Classification: Likely pathogenic for Autosomal recessive nonsyndromic hearing loss 3. Last evaluated: 2025-01-09. Review status: criteria provided, single submitter. Criteria: ClinGen HL ACMG Specifications v1. Collection method: research. Allele origin: germline. Affected: yes.
Comment: PVS1;PM2_Supporting

NM_016239.4(MYO15A):c.96del (p.Thr33fs)

Gene: MYO15A (myosin XVA; plus strand). Cytogenetic location: 17p11.2.
Variant type: Deletion.
Coding change: c.96del on transcript NM_016239.4 (MANE Select); coding-DNA position 96, one base deleted (G; older notation c.96delG).
Protein change: p.Thr33fs; shifts the reading frame from threonine 33.
Molecular consequence: frameshift variant.
Genome position (GRCh38, 1-based): chr17:18,118,896, G deleted; the last of 4 consecutive G bases (chr17:18,118,893-18,118,896); deleting any one gives the same sequence. VCF-style (leftmost placement, unchanged base first): chr17-18118892-AG-A. GRCh37 (hg19) VCF-style: chr17-18022206-AG-A.
Other names: short protein forms T33fs.
Identifiers: ClinVar variation 3601428 (VCV003601428.1).